The following is an entry in ClinVar:

NM_007294.4(BRCA1):c.452G>A (p.Ser151Asn)

Gene: BRCA1 (BRCA1 DNA repair associated; minus strand). Cytogenetic location: 17q21.31.
Variant type: single nucleotide variant.
Coding change: c.452G>A on transcript NM_007294.4 (MANE Select); coding-DNA position 452, G replaced by A.
Protein change: p.Ser151Asn; replaces serine 151 with asparagine.
Molecular consequence: missense variant. On other transcripts: non-coding transcript variant (1).
Genome position (GRCh38, 1-based): chr17:43,099,870, C>T on the plus strand (G>A on the coding strand, the complement: BRCA1 is on the minus strand). VCF-style: chr17-43099870-C-T. GRCh37 (hg19) VCF-style: chr17-41251887-C-T.
Other names: c.311G>A, p.Ser104Asn (NM_001407928.1, NM_001407929.1, NM_001407933.1 and 61 more transcripts); c.308G>A, p.Ser103Asn (NM_001407930.1, NM_001407931.1, NM_001407932.1 and 35 more transcripts); c.452G>A, p.Ser151Asn (NM_001407939.1, NM_001407937.1, NM_001407938.1 and 97 more transcripts); c.449G>A, p.Ser150Asn (NM_001407940.1, NM_001407941.1, NM_001407972.1 and 65 more transcripts); c.242G>A, p.Ser81Asn (NM_001407946.1, NM_001407947.1, NM_001407948.1 and 37 more transcripts); c.71G>A, p.Ser24Asn (NM_001407960.1, NM_001407959.1, NM_001407963.1 and 3 more transcripts); c.68G>A, p.Ser23Asn (NM_001407962.1); c.239G>A, p.Ser80Asn (NM_001407955.1, NM_001407956.1, NM_001407958.1 and 18 more transcripts); and 4 more; short protein forms S148N, S150N, S81N, S103N, S125N, S23N, S80N, S104N.
Identifiers: ClinVar variation 1988377 (VCV001988377.4), dbSNP rs2054306741, ClinGen allele CA10601230.

ClinVar aggregate classification (germline): Uncertain significance (1 of 4 stars; one submission).

Conditions:
Hereditary breast ovarian cancer syndrome. Also called: BRCA1- and BRCA2-Associated Hereditary Breast and Ovarian Cancer; Hereditary breast and ovarian cancer; Hereditary breast and ovarian cancer syndrome (HBOC); Hereditary breast and/or ovarian cancer syndrome; Hereditary breast and ovarian cancer syndrome; Breast and ovarian cancer. Identifiers: Orphanet 145, MedGen C0677776, MeSH D061325, MONDO:0003582. Disease mechanism: loss of function.

Submission:

Labcorp Genetics (formerly Invitae), Labcorp
Classification: Uncertain significance for Hereditary breast ovarian cancer syndrome. Last evaluated: 2022-04-24. Review status: criteria provided, single submitter. Criteria: Invitae Variant Classification Sherloc (09022015). Collection method: clinical testing. Allele origin: germline.
Comment: Advanced modeling of protein sequence and biophysical properties (such as structural, functional, and spatial information, amino acid conservation, physicochemical variation, residue mobility, and thermodynamic stability) performed at Invitae indicates that this missense variant is not expected to disrupt BRCA1 protein function. In summary, the available evidence is currently insufficient to determine the role of this variant in disease. Therefore, it has been classified as a Variant of Uncertain Significance. This variant has not been reported in the literature in individuals affected with BRCA1-related conditions. This variant is not present in population databases (gnomAD no frequency). This sequence change replaces serine, which is neutral and polar, with asparagine, which is neutral and polar, at codon 151 of the BRCA1 protein (p.Ser151Asn).